The following is an entry in ClinVar:

NM_177438.3(DICER1):c.2242T>C (p.Cys748Arg)

Gene: DICER1 (dicer 1, ribonuclease III; minus strand). Cytogenetic location: 14q32.13.
Variant type: single nucleotide variant.
Coding change: c.2242T>C on transcript NM_177438.3 (MANE Select); coding-DNA position 2242, T replaced by C.
Protein change: p.Cys748Arg; replaces cysteine 748 with arginine.
Molecular consequence: missense variant. On other transcripts: non-coding transcript variant (6).
Genome position (GRCh38, 1-based): chr14:95,111,331, A>G on the plus strand (T>C on the coding strand, the complement: DICER1 is on the minus strand). VCF-style: chr14-95111331-A-G. GRCh37 (hg19) VCF-style: chr14-95577668-A-G.
Other names: c.2242T>C, p.Cys748Arg (NM_001195573.1, NM_001271282.3, NM_001291628.2 and 13 more transcripts); c.1960T>C, p.Cys654Arg (NM_001395686.1); c.1837T>C, p.Cys613Arg (NM_001395687.1, NM_001395688.1, NM_001395689.1 and 3 more transcripts); c.1675T>C, p.Cys559Arg (NM_001395691.1); c.559T>C, p.Cys187Arg (NM_001395697.1); short protein forms C187R, C559R, C613R, C654R, C748R.
Identifiers: ClinVar variation 2674822 (VCV002674822.2), dbSNP rs2542910839, ClinGen allele CA390882493.

ClinVar aggregate classification (germline): Uncertain significance. Review status: criteria provided, multiple submitters, no conflicts (2 of 4 stars). 2 submissions from 2 submitters: Uncertain significance (2). Last evaluated 2025-06-10.

Conditions:
Hereditary cancer-predisposing syndrome. Also called: Tumor predisposition; Hereditary neoplastic syndrome; Neoplastic Syndromes, Hereditary; Hereditary Cancer Syndrome. Identifiers: Orphanet 140162, MedGen C0027672, MeSH D009386, MONDO:0015356.
Global developmental delay - lung cysts - overgrowth - Wilms tumor syndrome. Also called: GLOBAL DEVELOPMENTAL DELAY, LUNG CYSTS, OVERGROWTH, AND WILMS TUMOR; GLOW Syndrome. Identifiers: Orphanet 404476, MedGen C4748924, MONDO:0018445, OMIM 618272.

Submissions (2):

Ambry Genetics
Classification: Uncertain significance for Hereditary cancer-predisposing syndrome. Last evaluated: 2025-06-10. Review status: criteria provided, single submitter. Criteria: Ambry Variant Classification Scheme 2023. Collection method: clinical testing. Allele origin: germline.
Comment: The p.C748R variant (also known as c.2242T>C), located in coding exon 13 of the DICER1 gene, results from a T to C substitution at nucleotide position 2242. The cysteine at codon 748 is replaced by arginine, an amino acid with highly dissimilar properties. This amino acid position is conserved. In addition, this alteration is predicted to be deleterious by in silico analysis. Based on the available evidence, the clinical significance of this variant remains unclear.

Baylor Genetics
Classification: Uncertain significance for Global developmental delay - lung cysts - overgrowth - Wilms tumor syndrome. Last evaluated: 2023-06-23. Review status: criteria provided, single submitter. Criteria: ACMG Guidelines, 2015. Collection method: clinical testing. Allele origin: unknown.